The following is an entry in ClinVar:

ClinVar aggregate classification (germline): Benign. Review status: criteria provided, single submitter (1 of 4 stars). 2 submissions from 1 submitter: Benign (2). Last evaluated 2018-01-13.

Conditions:
Short-rib thoracic dysplasia 7 with or without polydactyly (SRTD7). Also called: Short rib polydactyly syndrome 5; SHORT-RIB THORACIC DYSPLASIA 7 WITH POLYDACTYLY. Identifiers: Orphanet 498497, Orphanet 93271, MedGen C3279792, MONDO:0013569, OMIM 614091.
Cranioectodermal dysplasia 2 (CED2). Identifiers: Orphanet 1515, MedGen C3150874, MONDO:0013323, OMIM 613610.

Allele frequency attached by ClinVar (database versions not stated): gnomAD 0.00056 and 0.00080; TOPMed 0.00080; gnomAD exomes 0.00224; 1000 Genomes Project 30x 0.00437; 1000 Genomes Project 0.00439.

Submissions (2):

Illumina Laboratory Services, Illumina
Classification: Benign for Short-rib thoracic dysplasia 7 with or without polydactyly. Last evaluated: 2018-01-13. Review status: criteria provided, single submitter. Criteria: ICSL Variant Classification Criteria 13 December 2019. Collection method: clinical testing. Allele origin: germline.
Comment: This variant was observed in the ICSL laboratory as part of a predisposition screen in an ostensibly healthy population. It had not been previously curated by ICSL or reported in the Human Gene Mutation Database (HGMD: prior to June 1st, 2018), and was therefore a candidate for classification through an automated scoring system. Utilizing variant allele frequency, disease prevalence and penetrance estimates, and inheritance mode, an automated score was calculated to assess if this variant is too frequent to cause the disease. Based on the score and internal cut-off values, a variant classified as benign is not then subjected to further curation. The score for this variant resulted in a classification of benign for this disease.

Illumina Laboratory Services, Illumina
Classification: Benign for Cranioectodermal dysplasia 2. Last evaluated: 2018-01-13. Review status: criteria provided, single submitter. Criteria: ICSL Variant Classification Criteria 13 December 2019. Collection method: clinical testing. Allele origin: germline.
Comment: the same text as in the submission from Illumina Laboratory Services, Illumina above.

NM_020779.4(WDR35):c.*487C>T

Gene: WDR35 (WD repeat domain 35; minus strand). Cytogenetic location: 2p24.1.
Variant type: single nucleotide variant.
Coding change: c.*487C>T on transcript NM_020779.4 (MANE Select); 487 bases downstream of the stop codon, C replaced by T.
Molecular consequence: 3 prime UTR variant.
Genome position (GRCh38, 1-based): chr2:19,913,071, G>A on the plus strand (C>T on the coding strand, the complement: WDR35 is on the minus strand). VCF-style: chr2-19913071-G-A. GRCh37 (hg19) VCF-style: chr2-20112832-G-A.
Other names: c.*487C>T (NM_001006657.2).
Identifiers: ClinVar variation 894943 (VCV000894943.4), dbSNP rs116951767, ClinGen allele CA43853284.